The following is an entry in ClinVar:

NM_001145860.2(POP1):c.800C>T (p.Ser267Phe)

Gene: POP1 (POP1 ribonuclease P/MRP subunit; plus strand). Cytogenetic location: 8q22.2.
Variant type: single nucleotide variant.
Coding change: c.800C>T on transcript NM_001145860.2 (MANE Select); coding-DNA position 800, C replaced by T.
Protein change: p.Ser267Phe; replaces serine 267 with phenylalanine.
Molecular consequence: missense variant.
Genome position (GRCh38, 1-based): chr8:98,134,013, C>T. VCF-style: chr8-98134013-C-T. GRCh37 (hg19) VCF-style: chr8-99146241-C-T.
Other names: c.800C>T, p.Ser267Phe (NM_001145861.2, NM_015029.3); c.800C>T (NM_015029.2); short protein forms S267F.
Identifiers: ClinVar variation 3718014 (VCV003718014.3).

ClinVar aggregate classification (germline): Uncertain significance. Review status: criteria provided, multiple submitters, no conflicts (2 of 4 stars). 2 submissions from 2 submitters: Uncertain significance (2). Last evaluated 2026-08-18.

Conditions:
Inborn genetic diseases. Identifiers: MedGen C0950123, MeSH D030342.

Submissions (2):

Ambry Genetics
Classification: Uncertain significance for Inborn genetic diseases. Last evaluated: 2026-08-18. Review status: criteria provided, single submitter. Criteria: Ambry Variant Classification Scheme 2023. Collection method: clinical testing. Allele origin: germline.

Labcorp Genetics (formerly Invitae), Labcorp
Classification: Uncertain significance. Last evaluated: 2024-07-03. Review status: criteria provided, single submitter. Criteria: Invitae Variant Classification Sherloc (09022015). Collection method: clinical testing. Allele origin: germline.
Comment: This sequence change replaces serine, which is neutral and polar, with phenylalanine, which is neutral and non-polar, at codon 267 of the POP1 protein (p.Ser267Phe). This variant is present in population databases (rs139448098, gnomAD 0.02%). This variant has not been reported in the literature in individuals affected with POP1-related conditions. An algorithm developed to predict the effect of missense changes on protein structure and function (PolyPhen-2) suggests that this variant is likely to be disruptive. In summary, the available evidence is currently insufficient to determine the role of this variant in disease. Therefore, it has been classified as a Variant of Uncertain Significance.